The following is an entry in ClinVar:

ClinVar aggregate classification (germline): Uncertain significance. Review status: criteria provided, multiple submitters, no conflicts (2 of 4 stars). 2 submissions from 2 submitters: Uncertain significance (2). Last evaluated 2023-04-24.

Conditions:
Atypical glycine encephalopathy. Also called: Glycine encephalopathy with normal serum glycine. Identifiers: Orphanet 289863, MedGen C4310943, MONDO:0015010, OMIM 617301.

Allele frequency attached by ClinVar (database versions not stated): gnomAD exomes below 0.00001 and 0.00004; gnomAD 0.00002; TOPMed 0.00004.
gnomAD v4.1: 60 of 1,609,202 alleles (0.0037%); highest among the groups gnomAD compares: Non-Finnish European, 0.0045%; no homozygotes.

Submissions (2):

Labcorp Genetics (formerly Invitae), Labcorp
Classification: Uncertain significance for Atypical glycine encephalopathy. Last evaluated: 2023-04-24. Review status: criteria provided, single submitter. Criteria: Invitae Variant Classification Sherloc (09022015). Collection method: clinical testing. Allele origin: germline.
Comment: In summary, the available evidence is currently insufficient to determine the role of this variant in disease. Therefore, it has been classified as a Variant of Uncertain Significance. Variants that disrupt the consensus splice site are a relatively common cause of aberrant splicing (PMID: 17576681, 9536098). An algorithm developed to predict the effect of missense changes on protein structure and function (PolyPhen-2) suggests that this variant is likely to be disruptive. ClinVar contains an entry for this variant (Variation ID: 1031818). This variant has not been reported in the literature in individuals affected with SLC6A9-related conditions. This variant is present in population databases (rs201870833, gnomAD 0.002%). This sequence change affects codon 394 of the SLC6A9 mRNA. It is a 'silent' change, meaning that it does not change the encoded amino acid sequence of the SLC6A9 protein. This variant also falls at the last nucleotide of exon 8, which is part of the consensus splice site for this exon.

Baylor Genetics
Classification: Uncertain significance for Atypical glycine encephalopathy. Last evaluated: 2018-12-22. Review status: criteria provided, single submitter. Criteria: ACMG Guidelines, 2015. Collection method: clinical testing. Allele origin: maternal. Affected: yes.
Comment: This variant was determined to be of uncertain significance according to ACMG Guidelines, 2015 [PMID:25741868].

Literature cited by the submitters: PubMed 17576681 (cited by Labcorp Genetics (formerly Invitae), Labcorp); PubMed 9536098 (cited by Labcorp Genetics (formerly Invitae), Labcorp).

NM_001024845.3(SLC6A9):c.962G>A (p.Arg321Gln)

Gene: SLC6A9 (solute carrier family 6 member 9; minus strand). Cytogenetic location: 1p34.1.
Variant type: single nucleotide variant.
Coding change: c.962G>A on transcript NM_001024845.3 (MANE Select); coding-DNA position 962, G replaced by A.
Protein change: p.Arg321Gln; replaces arginine 321 with glutamine.
Molecular consequence: missense variant. On other transcripts: non-coding transcript variant (1).
Genome position (GRCh38, 1-based): chr1:44,002,313, C>T on the plus strand (G>A on the coding strand, the complement: SLC6A9 is on the minus strand). VCF-style: chr1-44002313-C-T. GRCh37 (hg19) VCF-style: chr1-44467985-C-T.
Other names: c.974G>A, p.Arg325Gln (NM_001261380.2); c.629G>A, p.Arg210Gln (NM_001328626.2, NM_001328630.2); c.899G>A, p.Arg300Gln (NM_001328627.1); c.767G>A, p.Arg256Gln (NM_001328628.1); c.962G>A, p.Arg321Gln (NM_001328629.1); c.1019G>A, p.Arg340Gln (NM_006934.4); c.1181G>A, p.Arg394Gln (NM_201649.4); short protein forms R210Q, R340Q, R394Q, R256Q, R325Q, R300Q, R321Q.
Identifiers: ClinVar variation 1031818 (VCV001031818.5), dbSNP rs201870833, ClinGen allele CA21712901.